The following is an entry in ClinVar:

NM_000053.4(ATP7B):c.2907G>A (p.Arg969=)

Gene: ATP7B (ATPase copper transporting beta; minus strand). Cytogenetic location: 13q14.3.
Variant type: single nucleotide variant.
Coding change: c.2907G>A on transcript NM_000053.4 (MANE Select); coding-DNA position 2907, G replaced by A.
Protein change: p.Arg969=; no amino-acid change (arginine 969 retained).
Molecular consequence: synonymous variant. On other transcripts: intron variant (6).
Genome position (GRCh38, 1-based): chr13:51,946,437, C>T on the plus strand (G>A on the coding strand, the complement: ATP7B is on the minus strand). VCF-style: chr13-51946437-C-T. GRCh37 (hg19) VCF-style: chr13-52520573-C-T.
Other names: c.2286G>A, p.Arg762= (NM_001005918.3); c.2574G>A, p.Arg858= (NM_001243182.2); c.2673G>A, p.Arg891= (NM_001330578.2, NM_001406527.1, NM_001406528.1 and 1 more transcripts); c.2655G>A, p.Arg885= (NM_001330579.2, NM_001406531.1, NM_001406532.1); c.2907G>A, p.Arg969= (NM_001406511.1, NM_001406512.1, NM_001406513.1 and 2 more transcripts); c.2874G>A, p.Arg958= (NM_001406514.1); c.2853G>A, p.Arg951= (NM_001406515.1, NM_001406516.1); c.2811G>A, p.Arg937= (NM_001406517.1, NM_001406518.1); and 18 more.
Identifiers: ClinVar variation 3071643 (VCV003071643.1), dbSNP rs749689127, ClinGen allele CA6988867.

ClinVar aggregate classification (germline): Likely benign (1 of 4 stars; one submission).

Conditions:
Wilson disease (WND). Also called: Wilson's disease. Identifiers: Orphanet 905, MedGen C0019202, MONDO:0010200, OMIM 277900. Disease mechanism: loss of function.

Allele frequency attached by ClinVar (database versions not stated): gnomAD exomes below 0.00001; ExAC 0.00001.
gnomAD v4.1: 1 of 1,614,218 alleles (0.000062%); no homozygotes.

Submission:

All of Us Research Program, National Institutes of Health
Classification: Likely benign for Wilson disease. Last evaluated: 2023-06-08. Review status: criteria provided, single submitter. Criteria: ACMG Guidelines, 2015. Collection method: clinical testing. Allele origin: germline. Inheritance: Autosomal recessive inheritance. Observed: 1 variant allele, 1 heterozygote.
Comment: This study involves interpretation of variants in research participants for the purpose of population health screening. Participant phenotype was not available at the time of variant classification. Additional details can be found in publication PMID: 35346344, PMCID: PMC8962531